The following is an entry in ClinVar:

ClinVar aggregate classification (germline): Benign/Likely benign. Review status: criteria provided, multiple submitters, no conflicts (2 of 4 stars). 3 submissions from 3 submitters: Benign (1); Likely benign (1). 1 of the submissions does not count toward it. Last evaluated 2025-10-06.

Conditions:
DLL1-related disorder. Also called: DLL1-related condition.

Allele frequency attached by ClinVar (database versions not stated): gnomAD exomes 0.00011 and 0.00030; ExAC 0.00037; 1000 Genomes Project 30x 0.00094; 1000 Genomes Project 0.00100; gnomAD 0.00111 and 0.00118; TOPMed 0.00124; ESP Exome Variant Server 0.00161.

Submissions (3):

Labcorp Genetics (formerly Invitae), Labcorp
Classification: Benign. Last evaluated: 2025-10-06. Review status: criteria provided, single submitter. Criteria: Invitae Variant Classification Sherloc (09022015). Collection method: clinical testing. Allele origin: germline.

Blueprint Genetics
Classification: Likely benign. Last evaluated: 2024-11-14. Review status: criteria provided, single submitter. Criteria: ACMG Guidelines, 2015. Collection method: clinical testing. Allele origin: germline.

PreventionGenetics, part of Exact Sciences
Classification: Likely benign for DLL1-related condition. Last evaluated: 2020-12-14. Review status: no assertion criteria provided. Collection method: clinical testing. Allele origin: germline. Not counted in ClinVar's aggregate classification.
Comment: This variant is classified as likely benign based on ACMG/AMP sequence variant interpretation guidelines (Richards et al. 2015 PMID: 25741868, with internal and published modifications).

NM_005618.4(DLL1):c.613G>A (p.Gly205Arg)

Gene: DLL1 (delta like canonical Notch ligand 1; minus strand). Cytogenetic location: 6q27.
Variant type: single nucleotide variant.
Coding change: c.613G>A on transcript NM_005618.4 (MANE Select); coding-DNA position 613, G replaced by A.
Protein change: p.Gly205Arg; replaces glycine 205 with arginine.
Molecular consequence: missense variant.
Genome position (GRCh38, 1-based): chr6:170,288,296, C>T on the plus strand (G>A on the coding strand, the complement: DLL1 is on the minus strand). VCF-style: chr6-170288296-C-T. GRCh37 (hg19) VCF-style: chr6-170597384-C-T.
Other names: c.613G>A (NM_005618.3); short protein forms G205R.
Identifiers: ClinVar variation 1646346 (VCV001646346.11), dbSNP rs34065522, ClinGen allele CA4107102.